The following is an entry in ClinVar:

ClinVar aggregate classification (germline): Likely pathogenic. Review status: reviewed by expert panel (3 of 4 stars). 2 submissions from 2 submitters: Likely pathogenic (1). 1 of the submissions does not count toward it. Last evaluated 2026-03-17.

Conditions:
Bernard-Soulier syndrome, type A1. Identifiers: MedGen C3278148.
Bernard Soulier syndrome (BSS). Also called: VON WILLEBRAND FACTOR RECEPTOR DEFICIENCY; BLEEDING DISORDER, PLATELET-TYPE, 1; PLATELET GLYCOPROTEIN Ib DEFICIENCY; Giant platelet syndrome; Hemorrhagiparous thrombocytic dystrophy; Giant platelet disease. Identifiers: Orphanet 274, MedGen C0005129, MeSH D001606, MONDO:0009276, OMIM 231200.

Allele frequency attached by ClinVar (database versions not stated): gnomAD exomes below 0.00001; gnomAD 0.00001; TOPMed 0.00001.

Submissions (2):

ClinGen Platelet Disorders Variant Curation Expert Panel, ClinGen
Classification: Likely pathogenic for Bernard Soulier syndrome. Last evaluated: 2026-03-17. Review status: reviewed by expert panel. Criteria: ClinGen Platelet ACMG Specifications GP1BA V1.0.0. Collection method: curation. Allele origin: germline. Inheritance: Autosomal recessive inheritance.
Comment: The c.1077G>A (p.Trp359Ter) variant in GP1BA is a nonsense variant that may cause loss of function of the protein, however it is predicted to escape nonsense mediated decay and remove >10% of the protein (PVS1_Strong). At least one patient (Proband in PMID: 2308962) with this variant had absent expression of GPIba measured by flow cytometry or Western blot, which is highly specific for Bernard-Soulier syndrome. Additionally, the patient had excessive mucocutaneous bleeding and macrothrombocytopenia which are consistent with Bernard-Soulier syndrome (PP4). The largest MAF allele frequency in gnomAD v4.0.1 is 0.0000008476 (based on 1/1179860 alleles) in the European (non-Finnish) population, which is lower than the ClinGen PD VCEP threshold (<0.0001114; PM2_Supporting). In summary, this variant meets the criteria to be classified as Likely Pathogenic for autosomal recessive Bernard-Soulier syndrome based on the ACMG/AMP criteria applied, as specified by the ClinGen PD VCEP: PVS1_Strong, PP4, PP1, and PM2_Supporting (VCEP specifications version 1.1).

OMIM
Classification: Pathogenic for BERNARD-SOULIER SYNDROME, TYPE A1. Last evaluated: 1990-03-01. Review status: no assertion criteria provided. Collection method: literature only. Allele origin: germline. Not counted in ClinVar's aggregate classification.

Literature cited by the submitters: PubMed 2308962 (cited by OMIM).

NM_000173.7(GP1BA):c.1077G>A (p.Trp359Ter)

Gene: GP1BA (glycoprotein Ib platelet subunit alpha; plus strand). Cytogenetic location: 17p13.2.
Variant type: single nucleotide variant.
Coding change: c.1077G>A on transcript NM_000173.7 (MANE Select); coding-DNA position 1077, G replaced by A.
Protein change: p.Trp359Ter; replaces tryptophan 359 with a stop codon.
Molecular consequence: nonsense.
Genome position (GRCh38, 1-based): chr17:4,933,681, G>A. VCF-style: chr17-4933681-G-A. GRCh37 (hg19) VCF-style: chr17-4836976-G-A.
Other names: W343*; NM_000173.7(GP1BA):c.1077G>A; p.Trp359Ter; short protein forms W359*.
Identifiers: ClinVar variation 4151 (VCV000004151.2), dbSNP rs121908061, ClinGen allele CA116657.
Genomic context (GRCh38, chr17:4,933,681, plus strand): 5'-CTCCTCCTTGCATCCAACACAAGAATCCACTAAGGAGCAGACCACATTCCCACCTAGATG[G>A]ACCCCAAATTTCACACTTCACATGGAATCCATCACATTCTCCAAAACTCCAAAATCCACT-3'